The following is an entry in ClinVar:

ClinVar aggregate classification (germline): Uncertain significance (1 of 4 stars; one submission).

Submission:

Labcorp Genetics (formerly Invitae), Labcorp
Classification: Uncertain significance. Last evaluated: 2023-02-27. Review status: criteria provided, single submitter. Criteria: Invitae Variant Classification Sherloc (09022015). Collection method: clinical testing. Allele origin: germline.
Comment: In summary, the available evidence is currently insufficient to determine the role of this variant in disease. Therefore, it has been classified as a Variant of Uncertain Significance. Experimental studies and prediction algorithms are not available or were not evaluated, and the effect of this variant on mRNA splicing is currently unknown. This variant has not been reported in the literature in individuals affected with MAFB-related conditions. This variant is not present in population databases (gnomAD no frequency). This sequence change affects codon 195 of the MAFB mRNA. It is a 'silent' change, meaning that it does not change the encoded amino acid sequence of the MAFB protein.

NM_005461.5(MAFB):c.585G>A (p.Thr195=)

Gene: MAFB (MAF bZIP transcription factor B; minus strand). Cytogenetic location: 20q12.
Variant type: single nucleotide variant.
Coding change: c.585G>A on transcript NM_005461.5 (MANE Select); coding-DNA position 585, G replaced by A.
Protein change: p.Thr195=; no amino-acid change (threonine 195 retained).
Molecular consequence: synonymous variant.
Genome position (GRCh38, 1-based): chr20:40,688,266, C>T on the plus strand (G>A on the coding strand, the complement: MAFB is on the minus strand). VCF-style: chr20-40688266-C-T. GRCh37 (hg19) VCF-style: chr20-39316906-C-T.
Identifiers: ClinVar variation 2795037 (VCV002795037.3), dbSNP rs1600428754, ClinGen allele CA510757440.